The following is an entry in ClinVar:

ClinVar aggregate classification (germline): Pathogenic (1 of 4 stars; one submission).

Submission:

Labcorp Genetics (formerly Invitae), Labcorp
Classification: Pathogenic. Last evaluated: 2022-11-28. Review status: criteria provided, single submitter. Criteria: Invitae Variant Classification Sherloc (09022015). Collection method: clinical testing. Allele origin: germline.
Comment: This sequence change creates a premature translational stop signal (p.Tyr312*) in the PAX3 gene. It is expected to result in an absent or disrupted protein product. Loss-of-function variants in PAX3 are known to be pathogenic (PMID: 20127975, 23512835). This variant is not present in population databases (gnomAD no frequency). This premature translational stop signal has been observed in individual(s) with Waardenburg syndrome (PMID: 20127975). For these reasons, this variant has been classified as Pathogenic.

Literature cited by the submitters: PubMed 20127975; PubMed 23512835.

NM_181458.4(PAX3):c.936C>G (p.Tyr312Ter)

Gene: PAX3 (paired box 3; minus strand). Cytogenetic location: 2q36.1.
Variant type: single nucleotide variant.
Coding change: c.936C>G on transcript NM_181458.4 (MANE Select); coding-DNA position 936, C replaced by G.
Protein change: p.Tyr312Ter; replaces tyrosine 312 with a stop codon.
Molecular consequence: nonsense.
Genome position (GRCh38, 1-based): chr2:222,221,244, G>C on the plus strand (C>G on the coding strand, the complement: PAX3 is on the minus strand). VCF-style: chr2-222221244-G-C. GRCh37 (hg19) VCF-style: chr2-223085963-G-C.
Other names: c.933C>G, p.Tyr311Ter (NM_001127366.3); c.936C>G, p.Tyr312Ter (NM_181457.4, NM_181459.4, NM_181460.4 and 1 more transcripts); short protein forms Y312*, Y311*.
Identifiers: ClinVar variation 2817192 (VCV002817192.3), dbSNP rs2469252164, ClinGen allele CA351116464.
Genomic context (GRCh38, chr2:222,221,244, plus strand): 5'-GAAGTTACTTTCTAATCTCCTTGACTCTTCCTCGGTACCTTGTGGAATAGATGTGGGCTG[G>C]TAAGAGGTCTCCGACAGCTGGTACGTTGGCAAGGTCGGCATGGCAGTGGGAGGGAACCCC-3'